The following is an entry in ClinVar:

ClinVar aggregate classification (germline): Uncertain significance (1 of 4 stars; one submission).

Allele frequency attached by ClinVar (database versions not stated): gnomAD exomes below 0.00001.
gnomAD v4.1: 2 of 1,613,636 alleles (0.00012%); highest among the groups gnomAD compares: Middle Eastern, 0.017%; no homozygotes.

Submission:

Labcorp Genetics (formerly Invitae), Labcorp
Classification: Uncertain significance. Last evaluated: 2021-08-31. Review status: criteria provided, single submitter. Criteria: Invitae Variant Classification Sherloc (09022015). Collection method: clinical testing. Allele origin: germline.
Comment: This sequence change replaces threonine with arginine at codon 359 of the EIF2AK3 protein (p.Thr359Arg). The threonine residue is moderately conserved and there is a moderate physicochemical difference between threonine and arginine. This variant is not present in population databases (ExAC no frequency). This variant has not been reported in the literature in individuals affected with EIF2AK3-related conditions. Algorithms developed to predict the effect of missense changes on protein structure and function are either unavailable or do not agree on the potential impact of this missense change (SIFT: "Deleterious"; PolyPhen-2: "Possibly Damaging"; Align-GVGD: "Class C0"). Algorithms developed to predict the effect of sequence changes on RNA splicing suggest that this variant may create or strengthen a splice site. In summary, the available evidence is currently insufficient to determine the role of this variant in disease. Therefore, it has been classified as a Variant of Uncertain Significance.

NM_004836.7(EIF2AK3):c.1076C>G (p.Thr359Arg)

Gene: EIF2AK3 (eukaryotic translation initiation factor 2 alpha kinase 3; minus strand). Cytogenetic location: 2p11.2.
Variant type: single nucleotide variant.
Coding change: c.1076C>G on transcript NM_004836.7 (MANE Select); coding-DNA position 1076, C replaced by G.
Protein change: p.Thr359Arg; replaces threonine 359 with arginine.
Molecular consequence: missense variant.
Genome position (GRCh38, 1-based): chr2:88,590,532, G>C on the plus strand (C>G on the coding strand, the complement: EIF2AK3 is on the minus strand). VCF-style: chr2-88590532-G-C. GRCh37 (hg19) VCF-style: chr2-88890050-G-C.
Other names: c.623C>G, p.Thr208Arg (NM_001313915.2); short protein forms T208R, T359R.
Identifiers: ClinVar variation 1524760 (VCV001524760.5), dbSNP rs1310368926, ClinGen allele CA347595544.
Genomic context (GRCh38, chr2:88,590,532, plus strand): 5'-CTGGCAGCTTCTACAATGTCTTCTTCATCTTCTAAAACATCATCATTAGATGTATAACTT[G>C]TATCATCAAAAAGACTGATGGGAATGACTTTCCCATCCTTAAGTAACCAGGCAGATGCAA-3'
Protein context (NP_004827.4, residues 349-369): KVIPISLFDD[Thr359Arg]SYTSNDDVLE